The following is an entry in ClinVar:

NC_012920.1(MT-CO1):m.5951A>G

Gene: MT-CO1 (mitochondrially encoded cytochrome c oxidase I; plus strand).
Variant type: single nucleotide variant.
Genome position: chrM-5951-A-G.
Identifiers: ClinVar variation 235783 (VCV000235783.3), dbSNP rs7340122, ClinGen allele CA10581430.

ClinVar aggregate classification (germline): Benign/Likely benign. Review status: criteria provided, multiple submitters, no conflicts (2 of 4 stars). 2 submissions from 2 submitters: Benign (1); Likely benign (1). Last evaluated 2018-05-25.

Submissions (2):

Athena Diagnostics
Classification: Benign. Last evaluated: 2018-05-25. Review status: criteria provided, single submitter. Criteria: Athena Diagnostics Criteria. Collection method: clinical testing. Allele origin: germline.

Center for Pediatric Genomic Medicine, Children's Mercy Hospital and Clinics
Classification: Likely benign. Last evaluated: 2015-08-12. Review status: criteria provided, single submitter. Criteria: ACMG Guidelines, 2015. Collection method: clinical testing. Allele origin: germline.
ClinVar note: Converted during submission from Likely Benign to Likely benign.

Literature cited by the submitters: PubMed 11938495 (cited by Athena Diagnostics); PubMed 19267350 (cited by Athena Diagnostics); PubMed 24146900 (cited by Athena Diagnostics); PubMed 26428318 (cited by Athena Diagnostics); PubMed 24713204 (cited by Athena Diagnostics); PubMed 26011537 (cited by Athena Diagnostics); PubMed 22258525 (cited by Athena Diagnostics).